The following is an entry in ClinVar:

NM_000465.4(BARD1):c.2001+1G>A

Gene: BARD1 (BRCA1 associated RING domain 1; minus strand). Cytogenetic location: 2q35.
Variant type: single nucleotide variant.
Coding change: c.2001+1G>A on transcript NM_000465.4 (MANE Select); the canonical splice donor site of the intron after coding-DNA position 2001, G replaced by A.
Molecular consequence: splice donor variant.
Genome position (GRCh38, 1-based): chr2:214,730,410, C>T on the plus strand (G>A on the coding strand, the complement: BARD1 is on the minus strand). VCF-style: chr2-214730410-C-T. GRCh37 (hg19) VCF-style: chr2-215595134-C-T.
Other names: c.591+1G>A (NM_001282548.2); c.1944+1G>A (NM_001282543.2); c.648+1G>A (NM_001282545.2); c.462+1G>A (NM_001282549.2); c.2001+1G>A (NM_000465.2).
Identifiers: ClinVar variation 530167 (VCV000530167.15), dbSNP rs768490891, ClinGen allele CA350451082.

ClinVar aggregate classification (germline): Likely pathogenic. Review status: criteria provided, multiple submitters, no conflicts (2 of 4 stars). 5 submissions from 5 submitters: Likely pathogenic (5). Last evaluated 2025-11-24.

Conditions:
BARD1-related cancer predisposition. Identifiers: MedGen CN377756, MONDO:0700267.
Hereditary cancer-predisposing syndrome. Also called: Hereditary neoplastic syndrome; Neoplastic Syndromes, Hereditary; Hereditary Cancer Syndrome; Tumor predisposition. Identifiers: Orphanet 140162, MedGen C0027672, MeSH D009386, MONDO:0015356.
Familial cancer of breast. Also called: BREAST CANCER, FAMILIAL; Hereditary breast cancer; hereditary breast carcinoma. Identifiers: Orphanet 227535, MedGen C0346153, MONDO:0016419, OMIM 114480. Disease mechanism: loss of function.

Submissions (5):

Ambry Genetics
Classification: Likely pathogenic for Hereditary cancer-predisposing syndrome. Last evaluated: 2025-11-24. Review status: criteria provided, single submitter. Criteria: Ambry Variant Classification Scheme 2023. Collection method: clinical testing. Allele origin: germline.
Comment: The c.2001+1G>A intronic variant results from a G to A substitution one nucleotide after coding exon 10 of the BARD1 gene. This variant is considered to be rare based on population cohorts in the Genome Aggregation Database (gnomAD). This nucleotide position is highly conserved in available vertebrate species. In silico splice site analysis predicts that this alteration will weaken the native splice donor site; however, direct evidence is insufficient at this time (Ambry internal data). Alterations that disrupt the canonical splice site are expected to cause aberrant splicing, resulting in an abnormal protein or a transcript that is subject to nonsense-mediated mRNA decay. As such, this alteration is classified as likely pathogenic.

Molecular Pathology, Peter Maccallum Cancer Centre
Classification: Likely pathogenic for BARD1-related cancer predisposition. Last evaluated: 2024-10-28. Review status: criteria provided, single submitter. Criteria: ACMG Guidelines, 2015. Collection method: clinical testing. Allele origin: germline. Inheritance: Autosomal dominant inheritance.

GeneDx
Classification: Likely pathogenic. Last evaluated: 2024-01-12. Review status: criteria provided, single submitter. Criteria: GeneDx Variant Classification Process June 2021. Collection method: clinical testing. Allele origin: germline. Affected: yes.
Comment: Canonical splice site variant predicted to result in a null allele in a gene for which loss of function is a known mechanism of disease; Not observed at significant frequency in large population cohorts (gnomAD); Has not been previously published as pathogenic or benign to our knowledge; This variant is associated with the following publications: (PMID: 17848578, 30925164, 31803232)

Labcorp Genetics (formerly Invitae), Labcorp
Classification: Likely pathogenic for Familial cancer of breast. Last evaluated: 2023-08-17. Review status: criteria provided, single submitter. Criteria: Invitae Variant Classification Sherloc (09022015). Collection method: clinical testing. Allele origin: germline.
Comment: ClinVar contains an entry for this variant (Variation ID: 530167). This sequence change affects a donor splice site in intron 10 of the BARD1 gene. While this variant is not anticipated to result in nonsense mediated decay, it likely alters RNA splicing and results in a disrupted protein product. This variant is not present in population databases (gnomAD no frequency). This variant has not been reported in the literature in individuals affected with BARD1-related conditions. Variants that disrupt the consensus splice site are a relatively common cause of aberrant splicing (PMID: 17576681, 9536098). Algorithms developed to predict the effect of sequence changes on RNA splicing suggest that this variant may disrupt the consensus splice site. This variant disrupts the C-terminal BRCT domain of BARD1 protein, which is required for chromosome stability and homology-directed repair (PMID: 17848578). A different variant (p.Val767fs) that lies downstream of this variant has been reported to affect BARD1 protein function (PMID: 30925164), this suggests that disruption of this region of the protein is causative of disease. In summary, the currently available evidence indicates that the variant is pathogenic, but additional data are needed to prove that conclusively. Therefore, this variant has been classified as Likely Pathogenic.

Myriad Genetics, Inc.
Classification: Likely pathogenic for Familial cancer of breast. Last evaluated: 2023-05-25. Review status: criteria provided, single submitter. Criteria: Myriad Autosomal Dominant, Autosomal Recessive and X-Linked Classification Criteria (2023). Collection method: clinical testing. Allele origin: unknown.
Comment: This variant is considered likely pathogenic. This variant occurs within a consensus splice junction and is predicted to result in abnormal mRNA splicing of either an out-of-frame exon or an in-frame exon necessary for protein stability and/or normal function.

Literature cited by the submitters: PubMed 17576681 (cited by Labcorp Genetics (formerly Invitae), Labcorp); PubMed 9536098 (cited by Labcorp Genetics (formerly Invitae), Labcorp); PubMed 17848578 (cited by Labcorp Genetics (formerly Invitae), Labcorp); PubMed 30925164 (cited by Labcorp Genetics (formerly Invitae), Labcorp).